The following is an entry in ClinVar:

NM_001365951.3(KIF1B):c.86A>G (p.Gln29Arg)

Genes: KIF1B (kinesin family member 1B; plus strand), LOC129388446 (MPRA-validated peak64 silencer; plus strand). Cytogenetic location: 1p36.22.
Variant type: single nucleotide variant.
Coding change: c.86A>G on transcript NM_001365951.3 (MANE Select); coding-DNA position 86, A replaced by G.
Protein change: p.Gln29Arg; replaces glutamine 29 with arginine.
Molecular consequence: missense variant.
Genome position (GRCh38, 1-based): chr1:10,232,414, A>G. VCF-style: chr1-10232414-A-G. GRCh37 (hg19) VCF-style: chr1-10292472-A-G.
Other names: c.86A>G, p.Gln29Arg (NM_001365952.1, NM_001365953.1, NM_015074.3 and 1 more transcripts); short protein forms Q29R.
Identifiers: ClinVar variation 1764353 (VCV001764353.2), dbSNP rs2523353047, ClinGen allele CA338316419.

ClinVar aggregate classification (germline): Uncertain significance (1 of 4 stars; one submission).

gnomAD v4.1: 1 of 1,612,062 alleles (0.000062%); no homozygotes.

Submission:

Ambry Genetics
Classification: Uncertain significance. Last evaluated: 2022-05-12. Review status: criteria provided, single submitter. Criteria: Ambry Variant Classification Scheme 2023. Collection method: clinical testing. Allele origin: germline.
Comment: The p.Q29R variant (also known as c.86A>G), located in coding exon 1 of the KIF1B gene, results from an A to G substitution at nucleotide position 86. The glutamine at codon 29 is replaced by arginine, an amino acid with highly similar properties. This amino acid position is conserved. In addition, the in silico prediction for this alteration is inconclusive. Since supporting evidence is limited at this time, the clinical significance of this alteration remains unclear.